The following is an entry in ClinVar:

ClinVar aggregate classification (germline): Uncertain significance (1 of 4 stars; one submission).

Conditions:
Hereditary cancer-predisposing syndrome. Also called: Neoplastic Syndromes, Hereditary; Tumor predisposition; Hereditary neoplastic syndrome; Hereditary Cancer Syndrome. Identifiers: Orphanet 140162, MedGen C0027672, MeSH D009386, MONDO:0015356.

Submission:

Ambry Genetics
Classification: Uncertain significance for Hereditary cancer-predisposing syndrome. Last evaluated: 2026-07-06. Review status: criteria provided, single submitter. Criteria: Ambry Variant Classification Scheme 2023. Collection method: clinical testing. Allele origin: germline.
Comment: The p.A551D variant (also known as c.1652C>A), located in coding exon 15 of the TSC2 gene, results from a C to A substitution at nucleotide position 1652. The alanine at codon 551 is replaced by aspartic acid, an amino acid with dissimilar properties. This amino acid position is conserved. In addition, the in silico prediction for this alteration is inconclusive. Based on the available evidence, the clinical significance of this variant remains unclear.

NM_000548.5(TSC2):c.1652C>A (p.Ala551Asp)

Gene: TSC2 (TSC complex subunit 2; plus strand). Cytogenetic location: 16p13.3.
Variant type: single nucleotide variant.
Coding change: c.1652C>A on transcript NM_000548.5 (MANE Select); coding-DNA position 1652, C replaced by A.
Protein change: p.Ala551Asp; replaces alanine 551 with aspartic acid.
Molecular consequence: missense variant. On other transcripts: non-coding transcript variant (5).
Genome position (GRCh38, 1-based): chr16:2,065,571, C>A. VCF-style: chr16-2065571-C-A. GRCh37 (hg19) VCF-style: chr16-2115572-C-A.
Other names: c.1052C>A, p.Ala351Asp (NM_001406680.1, NM_001406682.1, NM_001406683.1 and 6 more transcripts); c.1190C>A, p.Ala397Asp (NM_001406681.1); c.308C>A, p.Ala103Asp (NM_001406689.1, NM_001406690.1, NM_001406691.1 and 6 more transcripts); c.1652C>A, p.Ala551Asp (NM_001077183.3, NM_001114382.3, NM_001363528.2 and 6 more transcripts); c.1541C>A, p.Ala514Asp (NM_001318827.2, NM_001406670.1, NM_001406678.1); c.1505C>A, p.Ala502Asp (NM_001318829.2, NM_001406675.1, NM_001406676.1 and 1 more transcripts); c.1685C>A, p.Ala562Asp (NM_001318832.2); c.1742C>A, p.Ala581Asp (NM_001406667.1, NM_001406668.1); and 3 more; short protein forms A17D, A351D, A514D, A562D, A397D, A581D, A103D, A502D.
Identifiers: ClinVar variation 5031323 (VCV005031323.1).
Genomic context (GRCh38, chr16:2,065,571, plus strand): 5'-CTTCAAAGGTGATGGCCCGCTCCCTCTCCCCACCCCCGGAGCTGGAAGAAAGGGATGTGG[C>A]CGCATACTCGGCCTCCTTGGAGGATGTGAAGACAGCCGTCCTGGGGCTTCTGGTCATCCT-3'
Protein context (NP_000539.2, residues 541-561): PPPELEERDV[Ala551Asp]AYSASLEDVK